The following is an entry in ClinVar:

ClinVar aggregate classification (germline): Conflicting classifications of pathogenicity. Review status: criteria provided, conflicting classifications (1 of 4 stars). 8 submissions from 8 submitters: Uncertain significance (4); Likely benign (2). 2 of the submissions do not count toward it. Last evaluated 2024-12-09.

Conditions:
Hereditary cancer-predisposing syndrome. Also called: Hereditary Cancer Syndrome; Neoplastic Syndromes, Hereditary; Tumor predisposition; Hereditary neoplastic syndrome. Identifiers: Orphanet 140162, MedGen C0027672, MeSH D009386, MONDO:0015356.
Hereditary breast ovarian cancer syndrome. Also called: Hereditary breast and ovarian cancer; Hereditary breast and ovarian cancer syndrome; Breast and ovarian cancer; Hereditary breast and ovarian cancer syndrome (HBOC); Hereditary breast and/or ovarian cancer syndrome; BRCA1- and BRCA2-Associated Hereditary Breast and Ovarian Cancer. Identifiers: Orphanet 145, MedGen C0677776, MeSH D061325, MONDO:0003582. Disease mechanism: loss of function.
Breast-ovarian cancer, familial, susceptibility to, 2 (BROVCA2). Also called: BRCA2 Hereditary Breast and Ovarian Cancer. Identifiers: Orphanet 145, MedGen C2675520, MONDO:0012933, OMIM 612555. Disease mechanism: loss of function.

gnomAD v4.1: 3 of 1,599,332 alleles (0.00019%); highest among the groups gnomAD compares: Non-Finnish European, 0.00026%; no homozygotes.

Submissions (8):

Labcorp Genetics (formerly Invitae), Labcorp
Classification: Uncertain significance for Hereditary breast ovarian cancer syndrome. Last evaluated: 2024-12-09. Review status: criteria provided, single submitter. Criteria: Invitae Variant Classification Sherloc (09022015). Collection method: clinical testing. Allele origin: germline.
Comment: This sequence change replaces alanine, which is neutral and non-polar, with threonine, which is neutral and polar, at codon 895 of the BRCA2 protein (p.Ala895Thr). This variant is not present in population databases (gnomAD no frequency). This missense change has been observed in individual(s) with oropharyngeal cancer (PMID: 28678401). ClinVar contains an entry for this variant (Variation ID: 186564). Invitae Evidence Modeling of protein sequence and biophysical properties (such as structural, functional, and spatial information, amino acid conservation, physicochemical variation, residue mobility, and thermodynamic stability) indicates that this missense variant is not expected to disrupt BRCA2 protein function with a negative predictive value of 95%. RNA analysis performed to evaluate the impact of this missense change on mRNA splicing indicates it does not significantly alter splicing (internal data). In summary, the available evidence is currently insufficient to determine the role of this variant in disease. Therefore, it has been classified as a Variant of Uncertain Significance.

Color Diagnostics, LLC DBA Color Health
Classification: Uncertain significance for Hereditary cancer-predisposing syndrome. Last evaluated: 2024-07-30. Review status: criteria provided, single submitter. Criteria: ACMG Guidelines, 2015. Collection method: clinical testing. Allele origin: germline.
Comment: This missense variant replaces alanine with threonine at codon 895 of the BRCA2 protein. Computational prediction suggests that this variant may not impact protein structure and function. To our knowledge, functional studies have not been reported for this variant. This variant has been reported in one individual each affected with breast cancer and head and neck squamous cell carcinoma (PMID: 28678401, 33471991; Leiden Open Variation Database DB-ID BRCA2_007978). This variant has not been identified in the general population by the Genome Aggregation Database (gnomAD). The available evidence is insufficient to determine the role of this variant in disease conclusively. Therefore, this variant is classified as a Variant of Uncertain Significance.

University of Washington Department of Laboratory Medicine, University of Washington
Classification: Likely benign for Hereditary cancer-predisposing syndrome. Last evaluated: 2023-03-23. Review status: criteria provided, single submitter. Criteria: Dines et al. (Genet Med. 2020). Collection method: curation. Allele origin: germline.
Comment: Missense variant in a coldspot region where missense variants are very unlikely to be pathogenic (PMID:31911673).

BRCA2 exon 11 coldspot. Reclassification based on statistical prior probability.

Quest Diagnostics Nichols Institute San Juan Capistrano
Classification: Uncertain significance. Last evaluated: 2023-02-09. Review status: criteria provided, single submitter. Criteria: Quest Diagnostics criteria. Collection method: clinical testing. Allele origin: unknown.
Comment: It has not been reported in large, multi-ethnic general populations. In the published literature, the variant has been reported in a large breast cancer association study in one individual affected with breast cancer (PMID: 33471991 (2021)). It was also reported in an individual affected with head and neck squamous cell carcinoma (PMID: 28678401 (2017)), and as a somatic variant in an unspecified tumor tissue sample (PMID: 29642553 (2018)). Analysis of this variant using bioinformatics tools for the prediction of the effect of amino acid changes on protein structure and function yielded predictions that this variant is benign. Based on the available information, we are unable to determine the clinical significance of this variant.

Women's Health and Genetics/Laboratory Corporation of America, LabCorp
Classification: Uncertain significance. Last evaluated: 2020-03-31. Review status: criteria provided, single submitter. Criteria: LabCorp Variant Classification Summary - May 2015. Collection method: clinical testing. Allele origin: germline.
Comment: Variant summary: BRCA2 c.2683G>A (p.Ala895Thr) results in a non-conservative amino acid change in the encoded protein sequence. Four of five in-silico tools predict a benign effect of the variant on protein function. The variant was absent in 238218 control chromosomes (gnomAD). The available data on variant occurrences in the general population are insufficient to allow any conclusion about variant significance. c.2683G>A has been reported in the literature in one individual affected with head and neck squamous cell carcinoma as well as one individual affected with unspecified cancer (Chandrasekharappa_2017, Jiang_2018). These reports do not provide unequivocal conclusions about association of the variant with Hereditary Breast and Ovarian Cancer. To our knowledge, no experimental evidence demonstrating an impact on protein function has been reported. Four ClinVar submitters (evaluation after 2014) cite the variant as uncertain significance (3x) and likely benign (1x). Based on the evidence outlined above, the variant was classified as uncertain significance.

Ambry Genetics
Classification: Likely benign for Hereditary cancer-predisposing syndrome. Last evaluated: 2018-12-31. Review status: criteria provided, single submitter. Criteria: Ambry Variant Classification Scheme 2023. Collection method: clinical testing. Allele origin: germline.

Counsyl
Classification: Uncertain significance for Breast-ovarian cancer, familial, susceptibility to, 2. Last evaluated: 2017-08-29. Review status: no assertion criteria provided. Collection method: clinical testing. Allele origin: unknown. Not counted in ClinVar's aggregate classification.

Sharing Clinical Reports Project (SCRP)
Classification: Uncertain significance for Breast-ovarian cancer, familial 2. Last evaluated: 2013-03-05. Review status: no assertion criteria provided. Collection method: clinical testing. Allele origin: germline. Not counted in ClinVar's aggregate classification.

Literature cited by the submitters: PubMed 28678401 (cited by 4 submitters); PubMed 33471991 (cited by Color Diagnostics, LLC DBA Color Health and Quest Diagnostics Nichols Institute San Juan Capistrano); PubMed 29642553 (cited by Quest Diagnostics Nichols Institute San Juan Capistrano and Women's Health and Genetics/Laboratory Corporation of America, LabCorp).

NM_000059.4(BRCA2):c.2683G>A (p.Ala895Thr)

Gene: BRCA2 (BRCA2 DNA repair associated; plus strand). Cytogenetic location: 13q13.1.
Variant type: single nucleotide variant.
Coding change: c.2683G>A on transcript NM_000059.4 (MANE Select); coding-DNA position 2683, G replaced by A.
Protein change: p.Ala895Thr; replaces alanine 895 with threonine.
Molecular consequence: missense variant.
Genome position (GRCh38, 1-based): chr13:32,337,038, G>A. VCF-style: chr13-32337038-G-A. GRCh37 (hg19) VCF-style: chr13-32911175-G-A.
Other names: 2911G>A; short protein forms A895T.
Identifiers: ClinVar variation 186564 (VCV000186564.27), dbSNP rs786203045, ClinGen allele CA016049.